The following is an entry in ClinVar:

NM_001903.5(CTNNA1):c.1766A>G (p.Glu589Gly)

Gene: CTNNA1 (catenin alpha 1; plus strand). Cytogenetic location: 5q31.2.
Variant type: single nucleotide variant.
Coding change: c.1766A>G on transcript NM_001903.5 (MANE Select); coding-DNA position 1766, A replaced by G.
Protein change: p.Glu589Gly; replaces glutamic acid 589 with glycine.
Molecular consequence: missense variant.
Genome position (GRCh38, 1-based): chr5:138,925,274, A>G. VCF-style: chr5-138925274-A-G. GRCh37 (hg19) VCF-style: chr5-138260963-A-G.
Other names: c.656A>G, p.Glu219Gly (NM_001323990.1, NM_001323991.1, NM_001323992.1 and 17 more transcripts); c.1766A>G, p.Glu589Gly (NM_001323984.2, NM_001323985.2, NM_001290307.3 and 2 more transcripts); c.1673A>G, p.Glu558Gly (NM_001323986.2); c.1457A>G, p.Glu486Gly (NM_001290309.3); c.1397A>G, p.Glu466Gly (NM_001290310.3); c.317A>G, p.Glu106Gly (NM_001324006.1, NM_001324007.1, NM_001324008.1 and 2 more transcripts); c.563A>G, p.Glu188Gly (NM_001324011.1); c.413A>G, p.Glu138Gly (NM_001324012.1, NM_001324013.1); short protein forms E106G, E138G, E188G, E219G, E466G, E486G, E558G, E589G.
Identifiers: ClinVar variation 4869476 (VCV004869476.1).

ClinVar aggregate classification (germline): Uncertain significance (1 of 4 stars; one submission).

Conditions:
Hereditary cancer-predisposing syndrome. Also called: Neoplastic Syndromes, Hereditary; Tumor predisposition; Hereditary Cancer Syndrome; Hereditary neoplastic syndrome. Identifiers: Orphanet 140162, MedGen C0027672, MeSH D009386, MONDO:0015356.

gnomAD v4.1: 1 of 1,614,000 alleles (0.000062%); highest among the groups gnomAD compares: Non-Finnish European, 0.000085%; no homozygotes.

Submission:

Ambry Genetics
Classification: Uncertain significance for Hereditary cancer-predisposing syndrome. Last evaluated: 2026-04-20. Review status: criteria provided, single submitter. Criteria: Ambry Variant Classification Scheme 2023. Collection method: clinical testing. Allele origin: germline.
Comment: The p.E589G variant (also known as c.1766A>G), located in coding exon 12 of the CTNNA1 gene, results from an A to G substitution at nucleotide position 1766. The glutamic acid at codon 589 is replaced by glycine, an amino acid with similar properties. This amino acid position is conserved. In addition, the in silico prediction for this alteration is inconclusive. Based on the available evidence, the clinical significance of this variant remains unclear.